The following is an entry in ClinVar:

NM_145046.5(CALR3):c.194-3A>G

Gene: CALR3 (calreticulin 3; minus strand). Cytogenetic location: 19p13.11.
Variant type: single nucleotide variant.
Coding change: c.194-3A>G on transcript NM_145046.5 (MANE Select); 3 bases into the intron before coding-DNA position 194, A replaced by G.
Molecular consequence: intron variant.
Genome position (GRCh38, 1-based): chr19:16,490,573, T>C on the plus strand (A>G on the coding strand, the complement: CALR3 is on the minus strand). VCF-style: chr19-16490573-T-C. GRCh37 (hg19) VCF-style: chr19-16601384-T-C.
Identifiers: ClinVar variation 3012994 (VCV003012994.3), dbSNP rs1273156902, ClinGen allele CA632131161.

ClinVar aggregate classification (germline): Uncertain significance (1 of 4 stars; one submission).

Conditions:
Hypertrophic cardiomyopathy 19. Also called: Familial hypertrophic cardiomyopathy 19. Identifiers: MedGen CN077603, MONDO:0013476.

Allele frequency attached by ClinVar (database versions not stated): gnomAD 0.00001; TOPMed below 0.00001.
gnomAD v4.1: 6 of 1,613,340 alleles (0.00037%); highest among the groups gnomAD compares: Non-Finnish European, 0.00051%; no homozygotes.

Submission:

Labcorp Genetics (formerly Invitae), Labcorp
Classification: Uncertain significance for Hypertrophic cardiomyopathy 19. Last evaluated: 2025-05-22. Review status: criteria provided, single submitter. Criteria: Invitae Variant Classification Sherloc (09022015). Collection method: clinical testing. Allele origin: germline.
Comment: This sequence change falls in intron 2 of the CALR3 gene. It does not directly change the encoded amino acid sequence of the CALR3 protein. It affects a nucleotide within the consensus splice site. This variant is present in population databases (no rsID available, gnomAD 0.002%). This variant has not been reported in the literature in individuals affected with CALR3-related conditions. ClinVar contains an entry for this variant (Variation ID: 3012994). Variants that disrupt the consensus splice site are a relatively common cause of aberrant splicing (PMID: 17576681, 9536098). Algorithms developed to predict the effect of sequence changes on RNA splicing suggest that this variant may disrupt the consensus splice site. In summary, the available evidence is currently insufficient to determine the role of this variant in disease. Therefore, it has been classified as a Variant of Uncertain Significance.

Literature cited by the submitters: PubMed 17576681; PubMed 9536098.